The following is an entry in ClinVar:

NM_000264.5(PTCH1):c.3544C>G (p.Pro1182Ala)

Gene: PTCH1 (patched 1; minus strand). Cytogenetic location: 9q22.32.
Variant type: single nucleotide variant.
Coding change: c.3544C>G on transcript NM_000264.5 (MANE Select); coding-DNA position 3544, C replaced by G.
Protein change: p.Pro1182Ala; replaces proline 1182 with alanine.
Molecular consequence: missense variant. On other transcripts: non-coding transcript variant (1).
Genome position (GRCh38, 1-based): chr9:95,449,846, G>C on the plus strand (C>G on the coding strand, the complement: PTCH1 is on the minus strand). VCF-style: chr9-95449846-G-C. GRCh37 (hg19) VCF-style: chr9-98212128-G-C.
Other names: c.3346C>G, p.Pro1116Ala (NM_001083602.3); c.3541C>G, p.Pro1181Ala (NM_001083603.3); c.3091C>G, p.Pro1031Ala (NM_001083604.3, NM_001083605.3, NM_001083606.3 and 1 more transcripts); c.3388C>G, p.Pro1130Ala (NM_001354918.2); short protein forms P1182A, P1116A, P1130A, P1031A, P1181A.
Identifiers: ClinVar variation 524500 (VCV000524500.11), dbSNP rs1259037941, ClinGen allele CA374111443.

ClinVar aggregate classification (germline): Uncertain significance. Review status: criteria provided, multiple submitters, no conflicts (2 of 4 stars). 2 submissions from 2 submitters: Uncertain significance (2). Last evaluated 2025-11-10.

Conditions:
Hereditary cancer-predisposing syndrome. Also called: Neoplastic Syndromes, Hereditary; Tumor predisposition; Hereditary Cancer Syndrome; Hereditary neoplastic syndrome. Identifiers: Orphanet 140162, MedGen C0027672, MeSH D009386, MONDO:0015356.
Gorlin syndrome. Also called: Nevoid Basal Cell Carcinoma Syndrome; Basal cell nevus syndrome. Identifiers: Orphanet 377, MedGen C0004779, MONDO:0007187.

Allele frequency attached by ClinVar (database versions not stated): gnomAD exomes below 0.00001; TOPMed below 0.00001.
gnomAD v4.1: 1 of 1,612,778 alleles (0.000062%); highest among the groups gnomAD compares: Non-Finnish European, 0.000085%; no homozygotes.

Submissions (2):

Labcorp Genetics (formerly Invitae), Labcorp
Classification: Uncertain significance for Gorlin syndrome. Last evaluated: 2025-11-10. Review status: criteria provided, single submitter. Criteria: Invitae Variant Classification Sherloc (09022015). Collection method: clinical testing. Allele origin: germline.
Comment: This sequence change replaces proline, which is neutral and non-polar, with alanine, which is neutral and non-polar, at codon 1182 of the PTCH1 protein (p.Pro1182Ala). This variant is not present in population databases (gnomAD no frequency). This variant has not been reported in the literature in individuals affected with PTCH1-related conditions. ClinVar contains an entry for this variant (Variation ID: 524500). Invitae Evidence Modeling of protein sequence and biophysical properties (such as structural, functional, and spatial information, amino acid conservation, physicochemical variation, residue mobility, and thermodynamic stability) indicates that this missense variant is not expected to disrupt PTCH1 protein function with a negative predictive value of 95%. In summary, the available evidence is currently insufficient to determine the role of this variant in disease. Therefore, it has been classified as a Variant of Uncertain Significance.

Ambry Genetics
Classification: Uncertain significance for Hereditary cancer-predisposing syndrome. Last evaluated: 2021-11-24. Review status: criteria provided, single submitter. Criteria: Ambry Variant Classification Scheme 2023. Collection method: clinical testing. Allele origin: germline.
Comment: The p.P1182A variant (also known as c.3544C>G), located in coding exon 21 of the PTCH1 gene, results from a C to G substitution at nucleotide position 3544. The proline at codon 1182 is replaced by alanine, an amino acid with highly similar properties. This amino acid position is well conserved in available vertebrate species. In addition, the in silico prediction for this alteration is inconclusive. Since supporting evidence is limited at this time, the clinical significance of this alteration remains unclear.